The following is an entry in ClinVar:

ClinVar aggregate classification (germline): Uncertain significance (1 of 4 stars; one submission).

Submission:

GeneDx
Classification: Uncertain significance. Last evaluated: 2017-05-18. Review status: criteria provided, single submitter. Criteria: GeneDx Variant Classification (06012015). Collection method: clinical testing. Allele origin: germline. Affected: yes.
Comment: The c.2260+2dupT variant in the OFD1 gene has not been reported previously as a pathogenic variant, nor as a benign variant, to our knowledge. This variant is predicted to destroy the splice donor site in intron 16, and is expected to cause abnormal gene splicing. However, in the absence of RNA/functional studies, the actual effect of c.2260+2dupT in this individual is unknown. The c.2260+2dupT variant is not observed in large population cohorts (Lek et al., 2016; 1000 Genomes Consortium et al., 2015; Exome Variant Server). We interpret c.2260+2dupT as a variant of uncertain significance.

NM_003611.3(OFD1):c.2260+2dup

Gene: OFD1 (OFD1 centriole and centriolar satellite protein; plus strand). Cytogenetic location: Xp22.2.
Variant type: Duplication.
Coding change: c.2260+2dup on transcript NM_003611.3 (MANE Select); the canonical splice donor site of the intron after coding-DNA position 2260, one base duplicated (T; older notation c.2260+2dupT).
Molecular consequence: splice donor variant.
Genome position (GRCh38, 1-based): chrX:13,760,722, T duplicated. VCF-style (leftmost placement, unchanged base first): chrX-13760721-G-GT. GRCh37 (hg19) VCF-style: chrX-13778840-G-GT.
Other names: c.2260+2dupT (NM_003611.2); c.1840+2dup (NM_001330210.2); c.2140+2dup (NM_001330209.2).
Identifiers: ClinVar variation 430185 (VCV000430185.1), dbSNP rs1131691821, ClinGen allele CA645369801.
Genomic context (GRCh38, chrX:13,760,721, plus strand): 5'-TCTCTTCCACACCCCTTCCAAAAGCAAAAAGAAGCCTCGAAAGTGAAATGTATCTGGAAG[G>GT]TAAGCCACCCGCACAAAGGGTTGCGGGGTGCTCTGGAGTTGGGTAGCCACCCTGCCCACG-3'